The following is an entry in ClinVar:

NM_020832.3(ZNF687):c.2740G>A (p.Gly914Arg)

Gene: ZNF687 (zinc finger protein 687; plus strand). Cytogenetic location: 1q21.3.
Variant type: single nucleotide variant.
Coding change: c.2740G>A on transcript NM_020832.3 (MANE Select); coding-DNA position 2740, G replaced by A.
Protein change: p.Gly914Arg; replaces glycine 914 with arginine.
Molecular consequence: missense variant.
Genome position (GRCh38, 1-based): chr1:151,289,783, G>A. VCF-style: chr1-151289783-G-A. GRCh37 (hg19) VCF-style: chr1-151262259-G-A.
Other names: c.2740G>A, p.Gly914Arg (NM_001304763.2, NM_001304764.2); short protein forms G914R.
Identifiers: ClinVar variation 3649863 (VCV003649863.2).

ClinVar aggregate classification (germline): Uncertain significance (1 of 4 stars; one submission).

gnomAD v4.1: 1 of 1,563,010 alleles (0.000064%); no homozygotes.

Submission:

Labcorp Genetics (formerly Invitae), Labcorp
Classification: Uncertain significance. Last evaluated: 2024-04-14. Review status: criteria provided, single submitter. Criteria: Invitae Variant Classification Sherloc (09022015). Collection method: clinical testing. Allele origin: germline.
Comment: This sequence change replaces glycine, which is neutral and non-polar, with arginine, which is basic and polar, at codon 914 of the ZNF687 protein (p.Gly914Arg). This variant is not present in population databases (gnomAD no frequency). This variant has not been reported in the literature in individuals affected with ZNF687-related conditions. Algorithms developed to predict the effect of missense changes on protein structure and function output the following: SIFT: "Not Available"; PolyPhen-2: "Benign"; Align-GVGD: "Not Available". The arginine amino acid residue is found in multiple mammalian species, which suggests that this missense change does not adversely affect protein function. In summary, the available evidence is currently insufficient to determine the role of this variant in disease. Therefore, it has been classified as a Variant of Uncertain Significance.